The following is an entry in ClinVar:

ClinVar aggregate classification (germline): Uncertain significance. Review status: criteria provided, multiple submitters, no conflicts (2 of 4 stars). 2 submissions from 2 submitters: Uncertain significance (2). Last evaluated 2024-05-03.

Conditions:
Bardet-Biedl syndrome (BBS). Identifiers: Orphanet 110, MedGen C0752166, MONDO:0015229.
Retinitis pigmentosa 74 (RP74). Identifiers: Orphanet 791, MedGen C4225281, MONDO:0014692, OMIM 616562.
Bardet-Biedl syndrome 2 (BBS2). Identifiers: Orphanet 110, MedGen C2936863, MONDO:0014432, OMIM 615981.

Allele frequency attached by ClinVar (database versions not stated): gnomAD exomes below 0.00001; TOPMed below 0.00001.
gnomAD v4.1: 1 of 1,614,042 alleles (0.000062%); highest among the groups gnomAD compares: Non-Finnish European, 0.000085%; no homozygotes.

Submissions (2):

Fulgent Genetics
Classification: Uncertain significance for Bardet-Biedl syndrome 2; Retinitis pigmentosa 74. Last evaluated: 2024-05-03. Review status: criteria provided, single submitter. Criteria: ACMG Guidelines, 2015. Collection method: clinical testing. Allele origin: germline.

Labcorp Genetics (formerly Invitae), Labcorp
Classification: Uncertain significance for Bardet-Biedl syndrome. Last evaluated: 2022-02-02. Review status: criteria provided, single submitter. Criteria: Invitae Variant Classification Sherloc (09022015). Collection method: clinical testing. Allele origin: germline.
Comment: This sequence change replaces asparagine, which is neutral and polar, with serine, which is neutral and polar, at codon 436 of the BBS2 protein (p.Asn436Ser). This variant is not present in population databases (gnomAD no frequency). This variant has not been reported in the literature in individuals affected with BBS2-related conditions. Algorithms developed to predict the effect of missense changes on protein structure and function output the following: SIFT: "Tolerated"; PolyPhen-2: "Benign"; Align-GVGD: "Class C0". The serine amino acid residue is found in multiple mammalian species, which suggests that this missense change does not adversely affect protein function. In summary, the available evidence is currently insufficient to determine the role of this variant in disease. Therefore, it has been classified as a Variant of Uncertain Significance.

NM_031885.5(BBS2):c.1307A>G (p.Asn436Ser)

Gene: BBS2 (Bardet-Biedl syndrome 2; minus strand). Cytogenetic location: 16q13.
Variant type: single nucleotide variant.
Coding change: c.1307A>G on transcript NM_031885.5 (MANE Select); coding-DNA position 1307, A replaced by G.
Protein change: p.Asn436Ser; replaces asparagine 436 with serine.
Molecular consequence: missense variant. On other transcripts: non-coding transcript variant (2).
Genome position (GRCh38, 1-based): chr16:56,500,944, T>C on the plus strand (A>G on the coding strand, the complement: BBS2 is on the minus strand). VCF-style: chr16-56500944-T-C. GRCh37 (hg19) VCF-style: chr16-56534856-T-C.
Other names: c.1307A>G, p.Asn436Ser (NM_001377456.1); short protein forms N436S.
Identifiers: ClinVar variation 1486445 (VCV001486445.6), dbSNP rs1964252649, ClinGen allele CA395979573.